The following is an entry in ClinVar:

ClinVar aggregate classification (germline): Uncertain significance (1 of 4 stars; one submission).

gnomAD v4.1: 2 of 1,613,802 alleles (0.00012%); highest among the groups gnomAD compares: South Asian, 0.0022%; 1 homozygote.

Submission:

GeneDx
Classification: Uncertain significance. Last evaluated: 2024-02-28. Review status: criteria provided, single submitter. Criteria: GeneDx Variant Classification Process June 2021. Collection method: clinical testing. Allele origin: germline. Affected: yes.
Comment: In silico analysis supports that this missense variant does not alter protein structure/function; Has not been previously published as pathogenic or benign to our knowledge

NM_003482.4(KMT2D):c.3391C>T (p.Pro1131Ser)

Gene: KMT2D (lysine methyltransferase 2D; minus strand). Cytogenetic location: 12q13.12.
Variant type: single nucleotide variant.
Coding change: c.3391C>T on transcript NM_003482.4 (MANE Select); coding-DNA position 3391, C replaced by T.
Protein change: p.Pro1131Ser; replaces proline 1131 with serine.
Molecular consequence: missense variant.
Genome position (GRCh38, 1-based): chr12:49,050,197, G>A on the plus strand (C>T on the coding strand, the complement: KMT2D is on the minus strand). VCF-style: chr12-49050197-G-A. GRCh37 (hg19) VCF-style: chr12-49443980-G-A.
Other names: short protein forms P1131S.
Identifiers: ClinVar variation 3369816 (VCV003369816.1).
Genomic context (GRCh38, chr12:49,050,197, plus strand): 5'-AGCCTTTAAGTTCACTAGCCAAACTGCCAGGGGTCTGTCCAGGCTCTGGCTGTGAACCCG[G>A]AGCATCAATCCCATCCAGAGGGGCTGTGTCTTCCCCTAGGCCAGAGAAGTCATCCAGGGC-3'
Protein context (NP_003473.3, residues 1121-1141): DTAPLDGIDA[Pro1131Ser]GSQPEPGQTP